The following is an entry in ClinVar:

ClinVar aggregate classification (germline): Uncertain significance. Review status: criteria provided, multiple submitters, no conflicts (2 of 4 stars). 5 submissions from 5 submitters: Uncertain significance (5). Last evaluated 2026-05-13.

Conditions:
Laron-type isolated somatotropin defect. Also called: GROWTH HORMONE RECEPTOR DEFICIENCY; Laron Syndrome; Growth hormone binding protein deficiency or dysfunction; Growth hormone receptor deficiency or dysfunction; Laron dwarfism; Laron type pituitary dwarfism I. Identifiers: Orphanet 633, MedGen C0271568, MONDO:0009877, OMIM 262500.
Inborn genetic diseases. Identifiers: MedGen C0950123, MeSH D030342.

Allele frequency attached by ClinVar (database versions not stated): gnomAD 0.00001; TOPMed 0.00003; gnomAD exomes 0.00004; ExAC 0.00007; ESP Exome Variant Server 0.00008.
gnomAD v4.1: 111 of 1,614,016 alleles (0.0069%); highest among the groups gnomAD compares: Non-Finnish European, 0.0081%; no homozygotes.

Submissions (5):

Women's Health and Genetics/Laboratory Corporation of America, LabCorp
Classification: Uncertain significance. Last evaluated: 2026-05-13. Review status: criteria provided, single submitter. Criteria: LabCorp Variant Classification Summary - May 2015. Collection method: clinical testing. Allele origin: germline.

Ambry Genetics
Classification: Uncertain significance for Inborn genetic diseases. Last evaluated: 2025-10-22. Review status: criteria provided, single submitter. Criteria: Ambry Variant Classification Scheme 2023. Collection method: clinical testing. Allele origin: germline.

Labcorp Genetics (formerly Invitae), Labcorp
Classification: Uncertain significance. Last evaluated: 2025-05-19. Review status: criteria provided, single submitter. Criteria: Invitae Variant Classification Sherloc (09022015). Collection method: clinical testing. Allele origin: germline.
Comment: This sequence change replaces isoleucine, which is neutral and non-polar, with phenylalanine, which is neutral and non-polar, at codon 567 of the GHR protein (p.Ile567Phe). This variant is present in population databases (rs373401634, gnomAD 0.01%). This variant has not been reported in the literature in individuals affected with GHR-related conditions. ClinVar contains an entry for this variant (Variation ID: 353687). Invitae Evidence Modeling of protein sequence and biophysical properties (such as structural, functional, and spatial information, amino acid conservation, physicochemical variation, residue mobility, and thermodynamic stability) indicates that this missense variant is not expected to disrupt GHR protein function with a negative predictive value of 95%. In summary, the available evidence is currently insufficient to determine the role of this variant in disease. Therefore, it has been classified as a Variant of Uncertain Significance.

Blueprint Genetics
Classification: Uncertain significance. Last evaluated: 2024-11-21. Review status: criteria provided, single submitter. Criteria: ACMG Guidelines, 2015. Collection method: clinical testing. Allele origin: germline.

Illumina Laboratory Services, Illumina
Classification: Uncertain significance for Laron-type isolated somatotropin defect. Last evaluated: 2018-01-13. Review status: criteria provided, single submitter. Criteria: ICSL Variant Classification Criteria 13 December 2019. Collection method: clinical testing. Allele origin: germline.

NM_000163.5(GHR):c.1699A>T (p.Ile567Phe)

Gene: GHR (growth hormone receptor; plus strand). Cytogenetic location: 5p12.
Variant type: single nucleotide variant.
Coding change: c.1699A>T on transcript NM_000163.5 (MANE Select); coding-DNA position 1699, A replaced by T.
Protein change: p.Ile567Phe; replaces isoleucine 567 with phenylalanine.
Molecular consequence: missense variant. On other transcripts: 3 prime UTR variant (1).
Genome position (GRCh38, 1-based): chr5:42,719,206, A>T. VCF-style: chr5-42719206-A-T. GRCh37 (hg19) VCF-style: chr5-42719308-A-T.
Other names: c.1720A>T, p.Ile574Phe (NM_001242399.2); c.1699A>T, p.Ile567Phe (NM_001242400.2, NM_001242401.4, NM_001242402.2 and 4 more transcripts); c.1633A>T, p.Ile545Phe (NM_001242460.2); c.*741A>T (NM_001242462.1); short protein forms I567F, I574F, I545F.
Identifiers: ClinVar variation 353687 (VCV000353687.13), dbSNP rs373401634, ClinGen allele CA3254698.